The following is an entry in ClinVar:

NM_020937.4(FANCM):c.1602C>G (p.Asp534Glu)

Gene: FANCM (FA complementation group M; plus strand). Cytogenetic location: 14q21.2.
Variant type: single nucleotide variant.
Coding change: c.1602C>G on transcript NM_020937.4 (MANE Select); coding-DNA position 1602, C replaced by G.
Protein change: p.Asp534Glu; replaces aspartic acid 534 with glutamic acid.
Molecular consequence: missense variant.
Genome position (GRCh38, 1-based): chr14:45,164,379, C>G. VCF-style: chr14-45164379-C-G. GRCh37 (hg19) VCF-style: chr14-45633582-C-G.
Other names: c.1524C>G, p.Asp508Glu (NM_001308133.2); c.1602C>G, p.Asp534Glu (NM_001308134.2); short protein forms D534E, D508E.
Identifiers: ClinVar variation 4254546 (VCV004254546.1).

ClinVar aggregate classification (germline): Uncertain significance (1 of 4 stars; one submission).

Conditions:
Inborn genetic diseases. Identifiers: MedGen C0950123, MeSH D030342.

gnomAD v4.1: 1 of 1,612,544 alleles (0.000062%); highest among the groups gnomAD compares: Admixed American, 0.0017%; no homozygotes.

Submission:

Ambry Genetics
Classification: Uncertain significance for Inborn genetic diseases. Last evaluated: 2025-06-27. Review status: criteria provided, single submitter. Criteria: Ambry Variant Classification Scheme 2023. Collection method: clinical testing. Allele origin: germline.
Comment: The p.D534E variant (also known as c.1602C>G), located in coding exon 10 of the FANCM gene, results from a C to G substitution at nucleotide position 1602. The aspartic acid at codon 534 is replaced by glutamic acid, an amino acid with highly similar properties. This amino acid position is conserved. In addition, this alteration is predicted to be tolerated by in silico analysis. Based on the available evidence, the clinical significance of this variant remains unclear.